The following is an entry in ClinVar:

NM_005120.3(MED12):c.281C>T (p.Pro94Leu)

Gene: MED12 (mediator complex subunit 12; plus strand). Cytogenetic location: Xq13.1.
Variant type: single nucleotide variant.
Coding change: c.281C>T on transcript NM_005120.3 (MANE Select); coding-DNA position 281, C replaced by T.
Protein change: p.Pro94Leu; replaces proline 94 with leucine.
Molecular consequence: missense variant.
Genome position (GRCh38, 1-based): chrX:71,119,762, C>T. VCF-style: chrX-71119762-C-T. GRCh37 (hg19) VCF-style: chrX-70339612-C-T.
Other names: short protein forms P94L.
Identifiers: ClinVar variation 640157 (VCV000640157.9), dbSNP rs1602293842, ClinGen allele CA413499192.

ClinVar aggregate classification (germline): Uncertain significance (1 of 4 stars; one submission).

Conditions:
FG syndrome (FGS). Identifiers: MedGen C0220769, MONDO:0002010.

Submission:

Labcorp Genetics (formerly Invitae), Labcorp
Classification: Uncertain significance for FG syndrome. Last evaluated: 2018-11-08. Review status: criteria provided, single submitter. Criteria: Invitae Variant Classification Sherloc (09022015). Collection method: clinical testing. Allele origin: germline.
Comment: In summary, the available evidence is currently insufficient to determine the role of this variant in disease. Therefore, it has been classified as a Variant of Uncertain Significance. Algorithms developed to predict the effect of missense changes on protein structure and function are either unavailable or do not agree on the potential impact of this missense change (SIFT: "Deleterious"; PolyPhen-2: "Probably Damaging"; Align-GVGD: "Class C0"). This variant has not been reported in the literature in individuals with MED12-related disease. This variant is not present in population databases (ExAC no frequency). This sequence change replaces proline with leucine at codon 94 of the MED12 protein (p.Pro94Leu). The proline residue is moderately conserved and there is a moderate physicochemical difference between proline and leucine.